The following is an entry in ClinVar:

ClinVar aggregate classification (germline): Likely benign (0 of 4 stars; one submission).

Conditions:
KSR2-related disorder. Also called: KSR2-related condition.

gnomAD v4.1: 19 of 1,606,640 alleles (0.0012%); highest among the groups gnomAD compares: Non-Finnish European, 0.0015%; no homozygotes.

Submission:

PreventionGenetics, part of Exact Sciences
Classification: Likely benign for KSR2-related condition. Last evaluated: 2024-01-31. Review status: no assertion criteria provided. Collection method: clinical testing. Allele origin: germline.
Comment: This variant is classified as likely benign based on ACMG/AMP sequence variant interpretation guidelines (Richards et al. 2015 PMID: 25741868, with internal and published modifications).

NM_173598.6(KSR2):c.2547C>T (p.Leu849=)

Gene: KSR2 (kinase suppressor of ras 2; minus strand). Cytogenetic location: 12q24.22.
Variant type: single nucleotide variant.
Coding change: c.2547C>T on transcript NM_173598.6 (MANE Select); coding-DNA position 2547, C replaced by T.
Protein change: p.Leu849=; no amino-acid change (leucine 849 retained).
Molecular consequence: synonymous variant.
Genome position (GRCh38, 1-based): chr12:117,476,499, G>A on the plus strand (C>T on the coding strand, the complement: KSR2 is on the minus strand). VCF-style: chr12-117476499-G-A. GRCh37 (hg19) VCF-style: chr12-117914304-G-A.
Identifiers: ClinVar variation 3356061 (VCV003356061.1).
Genomic context (GRCh38, chr12:117,476,499, plus strand): 5'-AATGGCCAGGGCAGGGCCCACTTACCCAAGGGCAAAGACGTCAGAGTGCTTGGAGAAGGG[G>A]AGCTTATCCTCCTCTGTGTCGGGGGACAGCTGGCGGATGATCTCTGGTGCCAGGTGGCAT-3'
Protein context (NP_775869.4, residues 839-859): QLSPDTEEDK[Leu849=]PFSKHSDVFA